The following is an entry in ClinVar:

ClinVar aggregate classification (germline): Uncertain significance. Review status: criteria provided, multiple submitters, no conflicts (2 of 4 stars). 2 submissions from 2 submitters: Uncertain significance (2). Last evaluated 2024-12-06.

Conditions:
Inborn genetic diseases. Identifiers: MedGen C0950123, MeSH D030342.

Allele frequency attached by ClinVar (database versions not stated): gnomAD exomes 0.00001 and 0.00002; ExAC 0.00002; TOPMed 0.00002; gnomAD 0.00003 and 0.00004.
gnomAD v4.1: 37 of 1,614,070 alleles (0.0023%); highest among the groups gnomAD compares: Non-Finnish European, 0.0031%; no homozygotes.

Submissions (2):

Ambry Genetics
Classification: Uncertain significance for Inborn genetic diseases. Last evaluated: 2024-12-06. Review status: criteria provided, single submitter. Criteria: Ambry Variant Classification Scheme 2023. Collection method: clinical testing. Allele origin: germline.

Labcorp Genetics (formerly Invitae), Labcorp
Classification: Uncertain significance. Last evaluated: 2021-10-10. Review status: criteria provided, single submitter. Criteria: Invitae Variant Classification Sherloc (09022015). Collection method: clinical testing. Allele origin: germline.
Comment: This sequence change replaces proline with threonine at codon 774 of the SH3PXD2B protein (p.Pro774Thr). The proline residue is moderately conserved and there is a small physicochemical difference between proline and threonine. This variant is present in population databases (rs753041286, ExAC 0.003%). This variant has not been reported in the literature in individuals affected with SH3PXD2B-related conditions. Algorithms developed to predict the effect of missense changes on protein structure and function are either unavailable or do not agree on the potential impact of this missense change (SIFT: "Tolerated"; PolyPhen-2: "Possibly Damaging"; Align-GVGD: "Class C0"). In summary, the available evidence is currently insufficient to determine the role of this variant in disease. Therefore, it has been classified as a Variant of Uncertain Significance.

NM_001017995.3(SH3PXD2B):c.2320C>A (p.Pro774Thr)

Gene: SH3PXD2B (SH3 and PX domains 2B; minus strand). Cytogenetic location: 5q35.1.
Variant type: single nucleotide variant.
Coding change: c.2320C>A on transcript NM_001017995.3 (MANE Select); coding-DNA position 2320, C replaced by A.
Protein change: p.Pro774Thr; replaces proline 774 with threonine.
Molecular consequence: missense variant. On other transcripts: intron variant (1).
Genome position (GRCh38, 1-based): chr5:172,338,785, G>T on the plus strand (C>A on the coding strand, the complement: SH3PXD2B is on the minus strand). VCF-style: chr5-172338785-G-T. GRCh37 (hg19) VCF-style: chr5-171765789-G-T.
Other names: c.1188+7351C>A (NM_001308175.2); c.2320C>A (NM_001017995.2); short protein forms P774T.
Identifiers: ClinVar variation 1417278 (VCV001417278.4), dbSNP rs753041286, ClinGen allele CA3560995.
Genomic context (GRCh38, chr5:172,338,785, plus strand): 5'-GGGTGGGAGCTGCCCTGCTTTCGTGGCCTTCACACTGTGGACCTCTGACCTCTGGGAGCG[G>T]CCTGGATGACGAAGAGGTTTTCTTTGGGGGAGGTGGTCTGCGGGGTGGGACCACAGGTCT-3'
Protein context (NP_001017995.1, residues 764-784): PPKKTSSSSR[Pro774Thr]LPEVRGPQCE